The following is an entry in ClinVar:

NC_000005.9:g.(?_176638041)_(176722460_?)del

Gene: NSD1 (nuclear receptor binding SET domain protein 1; plus strand). Cytogenetic location: 5q35.3.
Variant type: Deletion.
Identifiers: ClinVar variation 1459855 (VCV001459855.5).

ClinVar aggregate classification (germline): Pathogenic (1 of 4 stars; one submission).

Conditions:
Sotos syndrome (SOTOS). Also called: SOTOS SYNDROME 1; CEREBRAL GIGANTISM; Sotos' syndrome; CHROMOSOME 5q35 DELETION SYNDROME; Distinctive facial appearance, overgrowth in childhood, and learning disabilities or delayed development. Identifiers: Orphanet 821, MedGen C0175695, MONDO:0019349, OMIM 117550.

Submission:

Labcorp Genetics (formerly Invitae), Labcorp
Classification: Pathogenic. Last evaluated: 2021-06-25. Review status: criteria provided, single submitter. Criteria: Invitae Variant Classification Sherloc (09022015). Collection method: clinical testing. Allele origin: germline.
Comment: This sequence change is a complex rearrangement involving exons 5-23 of the NSD1 gene. Although the exact nature of the event is unknown, it is likely to result in an absent or disrupted protein product. This variant has not been reported in the literature in individuals affected with NSD1-related conditions. For these reasons, this variant has been classified as Pathogenic.